The following is an entry in ClinVar:

NM_001385641.1(SAMD11):c.2524C>A (p.Pro842Thr)

Gene: SAMD11 (sterile alpha motif domain containing 11; plus strand). Cytogenetic location: 1p36.33.
Variant type: single nucleotide variant.
Coding change: c.2524C>A on transcript NM_001385641.1 (MANE Select); coding-DNA position 2524, C replaced by A.
Protein change: p.Pro842Thr; replaces proline 842 with threonine.
Molecular consequence: missense variant.
Genome position (GRCh38, 1-based): chr1:944,142, C>A. VCF-style: chr1-944142-C-A. GRCh37 (hg19) VCF-style: chr1-879522-C-A.
Other names: c.2527C>A, p.Pro843Thr (NM_001385640.1); c.2035C>A, p.Pro679Thr (NM_152486.4); c.2035C>A (NM_152486.2); short protein forms P843T, P679T, P842T.
Identifiers: ClinVar variation 2038581 (VCV002038581.2), dbSNP rs1642005947, ClinGen allele CA337821077.

ClinVar aggregate classification (germline): Uncertain significance. Review status: criteria provided, multiple submitters, no conflicts (2 of 4 stars). 2 submissions from 2 submitters: Uncertain significance (2). Last evaluated 2023-11-28.

Allele frequency attached by ClinVar (database versions not stated): TOPMed below 0.00001; gnomAD 0.00001.
gnomAD v4.1: 3 of 1,571,906 alleles (0.00019%); highest among the groups gnomAD compares: Admixed American, 0.0018%; no homozygotes.

Submissions (2):

Ambry Genetics
Classification: Uncertain significance. Last evaluated: 2023-11-28. Review status: criteria provided, single submitter. Criteria: Ambry Variant Classification Scheme 2023. Collection method: clinical testing. Allele origin: germline.

Labcorp Genetics (formerly Invitae), Labcorp
Classification: Uncertain significance. Last evaluated: 2021-12-09. Review status: criteria provided, single submitter. Criteria: Invitae Variant Classification Sherloc (09022015). Collection method: clinical testing. Allele origin: germline.
Comment: This sequence change replaces proline, which is neutral and non-polar, with threonine, which is neutral and polar, at codon 679 of the SAMD11 protein (p.Pro679Thr). This variant is not present in population databases (gnomAD no frequency). This variant has not been reported in the literature in individuals affected with SAMD11-related conditions. Algorithms developed to predict the effect of missense changes on protein structure and function output the following: SIFT: "Tolerated"; PolyPhen-2: "Benign"; Align-GVGD: "Class C0". The threonine amino acid residue is found in multiple mammalian species, which suggests that this missense change does not adversely affect protein function. In summary, the available evidence is currently insufficient to determine the role of this variant in disease. Therefore, it has been classified as a Variant of Uncertain Significance.